The following is an entry in ClinVar:

ClinVar aggregate classification (germline): Uncertain significance. Review status: criteria provided, multiple submitters, no conflicts (2 of 4 stars). 2 submissions from 2 submitters: Uncertain significance (2). Last evaluated 2026-07-20.

Conditions:
TBX3-related disorder. Also called: TBX3-related condition.
Ulnar-mammary syndrome (UMS). Also called: Ulnar-mammary syndrome of Pallister; PALLISTER ULNAR-MAMMARY SYNDROME; SCHINZEL SYNDROME. Identifiers: Orphanet 3138, MedGen C1866994, MONDO:0008411, OMIM 181450.

Allele frequency attached by ClinVar (database versions not stated): ExAC 0.00005; gnomAD 0.00006; gnomAD exomes 0.00006; TOPMed 0.00008.
gnomAD v4.1: 260 of 1,594,790 alleles (0.016%); highest among the groups gnomAD compares: Non-Finnish European, 0.021%; no homozygotes.

Submissions (2):

PreventionGenetics, part of Exact Sciences
Classification: Uncertain significance for TBX3-related condition. Last evaluated: 2026-07-20. Review status: criteria provided, single submitter. Criteria: ACMG Guidelines, 2015. Collection method: clinical testing. Allele origin: germline.
Comment: The TBX3 c.2056G>A variant is predicted to result in the amino acid substitution p.Val686Met. This variant has been reported in a study of adults with extreme obesity (Stahel et al. 2019. PubMed ID: 30242240). This variant is reported in 0.010% of alleles in individuals of European (Non-Finnish) descent in gnomAD. At this time, the clinical significance of this variant is uncertain due to the absence of conclusive functional and genetic evidence.

Labcorp Genetics (formerly Invitae), Labcorp
Classification: Uncertain significance for Ulnar-mammary syndrome. Last evaluated: 2024-12-12. Review status: criteria provided, single submitter. Criteria: Invitae Variant Classification Sherloc (09022015). Collection method: clinical testing. Allele origin: germline.
Comment: This sequence change replaces valine, which is neutral and non-polar, with methionine, which is neutral and non-polar, at codon 666 of the TBX3 protein (p.Val666Met). The frequency data for this variant in the population databases is considered unreliable, as metrics indicate poor data quality at this position in the gnomAD database. This variant has not been reported in the literature in individuals affected with TBX3-related conditions. ClinVar contains an entry for this variant (Variation ID: 1523373). An algorithm developed to predict the effect of missense changes on protein structure and function (PolyPhen-2) suggests that this variant is likely to be tolerated. In summary, the available evidence is currently insufficient to determine the role of this variant in disease. Therefore, it has been classified as a Variant of Uncertain Significance.

NM_005996.4(TBX3):c.1996G>A (p.Val666Met)

Gene: TBX3 (T-box transcription factor 3; minus strand). Cytogenetic location: 12q24.21.
Variant type: single nucleotide variant.
Coding change: c.1996G>A on transcript NM_005996.4 (MANE Select); coding-DNA position 1996, G replaced by A.
Protein change: p.Val666Met; replaces valine 666 with methionine.
Molecular consequence: missense variant.
Genome position (GRCh38, 1-based): chr12:114,672,017, C>T on the plus strand (G>A on the coding strand, the complement: TBX3 is on the minus strand). VCF-style: chr12-114672017-C-T. GRCh37 (hg19) VCF-style: chr12-115109822-C-T.
Other names: c.2056G>A (NM_016569.3); c.2056G>A, p.Val686Met (NM_016569.4); short protein forms V666M, V686M.
Identifiers: ClinVar variation 1523373 (VCV001523373.8), dbSNP rs762726425, ClinGen allele CA6809805.